The following is an entry in ClinVar:

ClinVar aggregate classification (germline): Uncertain significance. Review status: criteria provided, multiple submitters, no conflicts (2 of 4 stars). 2 submissions from 2 submitters: Uncertain significance (2). Last evaluated 2024-09-05.

Conditions:
Charcot-Marie-Tooth disease, axonal, type 2EE. Also called: CHARCOT-MARIE-TOOTH NEUROPATHY, TYPE 2EE. Identifiers: MedGen C5193076, MONDO:0032728, OMIM 618400.

gnomAD v4.1: 1 of 1,613,692 alleles (0.000062%); highest among the groups gnomAD compares: East Asian, 0.0022%; no homozygotes.

Submissions (2):

3billion
Classification: Uncertain significance for Charcot-Marie-Tooth disease, axonal, type 2EE. Last evaluated: 2024-09-05. Review status: criteria provided, single submitter. Criteria: ACMG Guidelines, 2015. Collection method: clinical testing. Allele origin: germline. Affected: yes.
Comment: The variant is observed at an extremely low frequency in the gnomAD v4.0.0 dataset (total allele frequency: <0.001%). Predicted Consequence/Location: Intron variant In silico tools predict the variant to alter splicing and produce an abnormal transcript [SpliceAI: 0.63 (>=0.2, moderate evidence for spliceogenicity)]. Therefore, this variant is classified as VUS according to the recommendation of ACMG/AMP guideline.

Revvity Omics, Revvity
Classification: Uncertain significance. Last evaluated: 2023-12-21. Review status: criteria provided, single submitter. Criteria: ACMG Guidelines, 2015. Collection method: clinical testing. Allele origin: germline.

NM_002437.5(MPV17):c.70+4A>G

Gene: MPV17 (mitochondrial inner membrane protein MPV17; minus strand). Cytogenetic location: 2p23.3.
Variant type: single nucleotide variant.
Coding change: c.70+4A>G on transcript NM_002437.5 (MANE Select); 4 bases into the intron after coding-DNA position 70, A replaced by G.
Molecular consequence: intron variant.
Genome position (GRCh38, 1-based): chr2:27,322,444, T>C on the plus strand (A>G on the coding strand, the complement: MPV17 is on the minus strand). VCF-style: chr2-27322444-T-C. GRCh37 (hg19) VCF-style: chr2-27545311-T-C.
Identifiers: ClinVar variation 4079288 (VCV004079288.2).
Genomic context (GRCh38, chr2:27,322,444, plus strand): 5'-GGCAAGCCTCTGGCTTCCAAATCAGTCTGCCCTGGTCCCACTCAAGTCCTAGAGGGACAC[T>C]CACCAGCTGTCAGGACCTGTACTTTCCACGGGTGAGCGGCCAGGGCCCGCTGGTATGCCC-3'